The following is an entry in ClinVar:

NM_182961.4(SYNE1):c.22493A>C (p.Glu7498Ala)

Gene: SYNE1 (spectrin repeat containing nuclear envelope protein 1; minus strand). Cytogenetic location: 6q25.2.
Variant type: single nucleotide variant.
Coding change: c.22493A>C on transcript NM_182961.4 (MANE Select); coding-DNA position 22493, A replaced by C.
Protein change: p.Glu7498Ala; replaces glutamic acid 7498 with alanine.
Molecular consequence: missense variant.
Genome position (GRCh38, 1-based): chr6:152,213,613, T>G on the plus strand (A>C on the coding strand, the complement: SYNE1 is on the minus strand). VCF-style: chr6-152213613-T-G. GRCh37 (hg19) VCF-style: chr6-152534748-T-G.
Other names: c.22280A>C, p.Glu7427Ala (NM_033071.5); c.22493A>C (NM_182961.2); c.22280A>C (NM_033071.3); short protein forms E7498A, E7427A.
Identifiers: ClinVar variation 285646 (VCV000285646.9), dbSNP rs774655615, ClinGen allele CA4053879.

ClinVar aggregate classification (germline): Uncertain significance. Review status: criteria provided, multiple submitters, no conflicts (2 of 4 stars). 5 submissions from 5 submitters: Uncertain significance (5). Last evaluated 2024-12-05.

Conditions:
Emery-Dreifuss muscular dystrophy 4, autosomal dominant (EDMD4). Also called: EMERY-DREIFUSS MUSCULAR DYSTROPHY 4 WITH VARIABLE FEATURES. Identifiers: Orphanet 261, MedGen C2751807, MONDO:0013071, OMIM 612998.
Autosomal recessive ataxia, Beauce type. Also called: SYNE1 Deficiency; ATAXIA, RECESSIVE, OF BEAUCE; SYNE1-Related Autosomal Recessive Cerebellar Ataxia; Spinocerebellar ataxia, autosomal recessive 8. Identifiers: Orphanet 88644, MedGen C1853116, MONDO:0012549, OMIM 610743.

Allele frequency attached by ClinVar (database versions not stated): gnomAD exomes below 0.00001 and 0.00001; ExAC 0.00001; gnomAD 0.00001 and 0.00002; TOPMed 0.00003.
gnomAD v4.1: 18 of 1,613,934 alleles (0.0011%); highest among the groups gnomAD compares: Non-Finnish European, 0.0015%; no homozygotes.

Submissions (5):

GeneDx
Classification: Uncertain significance. Last evaluated: 2024-12-05. Review status: criteria provided, single submitter. Criteria: GeneDx Variant Classification Process June 2021. Collection method: clinical testing. Allele origin: germline. Affected: yes.
Comment: Not observed at significant frequency in large population cohorts (gnomAD); In silico analysis supports that this missense variant has a deleterious effect on protein structure/function; Has not been previously published as pathogenic or benign to our knowledge

Athena Diagnostics
Classification: Uncertain significance. Last evaluated: 2024-10-10. Review status: criteria provided, single submitter. Criteria: Athena Diagnostics Criteria. Collection method: clinical testing. Allele origin: unknown.
Comment: Available data are insufficient to determine the clinical significance of the variant at this time. The frequency of this variant in the general population is uninformative in assessment of its pathogenicity. Polyphen and MutationTaster yielded discordant predictions regarding whether this amino acid change is damaging to the protein.

Fulgent Genetics
Classification: Uncertain significance for Autosomal recessive ataxia, Beauce type; Emery-Dreifuss muscular dystrophy 4, autosomal dominant. Last evaluated: 2018-10-31. Review status: criteria provided, single submitter. Criteria: ACMG Guidelines, 2015. Collection method: clinical testing. Allele origin: unknown.

Blueprint Genetics
Classification: Uncertain significance. Last evaluated: 2018-08-30. Review status: criteria provided, single submitter. Criteria: ACMG Guidelines, 2015. Collection method: clinical testing. Allele origin: germline.

Eurofins Ntd Llc (ga)
Classification: Uncertain significance. Last evaluated: 2018-07-10. Review status: criteria provided, single submitter. Criteria: EGL ClinVar v180209 classification definitions. Collection method: clinical testing. Allele origin: germline. Observed: 3 variant alleles, 3 heterozygotes.